The following is an entry in ClinVar:

ClinVar aggregate classification (germline): Uncertain significance (1 of 4 stars; one submission).

Conditions:
Neuropathy, hereditary sensory and autonomic, type 1C. Also called: HSAN IC; HSN IC. Identifiers: Orphanet 36386, MedGen C3150896, MONDO:0013337, OMIM 613640.

Allele frequency attached by ClinVar (database versions not stated): TOPMed 0.00001; ESP Exome Variant Server 0.00008.
gnomAD v4.1: 10 of 1,614,210 alleles (0.00062%); highest among the groups gnomAD compares: Non-Finnish European, 0.00076%; no homozygotes.

Submission:

Labcorp Genetics (formerly Invitae), Labcorp
Classification: Uncertain significance for Neuropathy, hereditary sensory and autonomic, type 1C. Last evaluated: 2025-10-28. Review status: criteria provided, single submitter. Criteria: Invitae Variant Classification Sherloc (09022015). Collection method: clinical testing. Allele origin: germline.
Comment: This sequence change replaces leucine, which is neutral and non-polar, with glutamine, which is neutral and polar, at codon 547 of the SPTLC2 protein (p.Leu547Gln). This variant is not present in population databases (gnomAD no frequency). This variant has not been reported in the literature in individuals affected with SPTLC2-related conditions. ClinVar contains an entry for this variant (Variation ID: 1478807). Invitae Evidence Modeling of protein sequence and biophysical properties (such as structural, functional, and spatial information, amino acid conservation, physicochemical variation, residue mobility, and thermodynamic stability) indicates that this missense variant is not expected to disrupt SPTLC2 protein function with a negative predictive value of 95%. In summary, the available evidence is currently insufficient to determine the role of this variant in disease. Therefore, it has been classified as a Variant of Uncertain Significance.

NM_004863.4(SPTLC2):c.1640T>A (p.Leu547Gln)

Gene: SPTLC2 (serine palmitoyltransferase long chain base subunit 2; minus strand). Cytogenetic location: 14q24.3.
Variant type: single nucleotide variant.
Coding change: c.1640T>A on transcript NM_004863.4 (MANE Select); coding-DNA position 1640, T replaced by A.
Protein change: p.Leu547Gln; replaces leucine 547 with glutamine.
Molecular consequence: missense variant.
Genome position (GRCh38, 1-based): chr14:77,512,333, A>T on the plus strand (T>A on the coding strand, the complement: SPTLC2 is on the minus strand). VCF-style: chr14-77512333-A-T. GRCh37 (hg19) VCF-style: chr14-77978676-A-T.
Other names: short protein forms L547Q.
Identifiers: ClinVar variation 1478807 (VCV001478807.6), dbSNP rs373948802, ClinGen allele CA263822273.